The following is an entry in ClinVar:

NM_005262.3(GFER):c.189G>C (p.Glu63Asp)

Genes: GFER (growth factor, augmenter of liver regeneration; plus strand), LOC130058203 (ATAC-STARR-seq lymphoblastoid silent region 7014; plus strand). Cytogenetic location: 16p13.3.
Variant type: single nucleotide variant.
Coding change: c.189G>C on transcript NM_005262.3 (MANE Select); coding-DNA position 189, G replaced by C.
Protein change: p.Glu63Asp; replaces glutamic acid 63 with aspartic acid.
Molecular consequence: missense variant.
Genome position (GRCh38, 1-based): chr16:1,984,407, G>C. VCF-style: chr16-1984407-G-C. GRCh37 (hg19) VCF-style: chr16-2034408-G-C.
Other names: short protein forms E63D.
Identifiers: ClinVar variation 214470 (VCV000214470.54), dbSNP rs375792737, ClinGen allele CA322387.

ClinVar aggregate classification (germline): Benign/Likely benign. Review status: criteria provided, multiple submitters, no conflicts (2 of 4 stars). 6 submissions from 6 submitters: Benign (2); Likely benign (2). 2 of the submissions do not count toward it. Last evaluated 2026-02-01.

Conditions:
GFER-related disorder. Also called: GFER-related condition.
Inborn genetic diseases. Identifiers: MedGen C0950123, MeSH D030342.
Congenital cataract-progressive muscular hypotonia-hearing loss-developmental delay syndrome. Also called: Myopathy with cataract and combined respiratory-chain deficiency; MITOCHONDRIAL COMPLEX DEFICIENCY, COMBINED. Identifiers: Orphanet 330054, MedGen C2751320, MONDO:0013116, OMIM 613076.

Allele frequency attached by ClinVar (database versions not stated): gnomAD exomes 0.00098 and 0.00212; gnomAD 0.00135 and 0.00138; ExAC 0.00018; 1000 Genomes Project 0.00060; 1000 Genomes Project 30x 0.00062; ESP Exome Variant Server 0.00032; TOPMed 0.00137.
gnomAD v4.1: 3,126 of 1,539,660 alleles (0.2%); highest among the groups gnomAD compares: Non-Finnish European, 0.26%; 10 homozygotes.

Submissions (6):

Labcorp Genetics (formerly Invitae), Labcorp
Classification: Benign. Last evaluated: 2026-02-01. Review status: criteria provided, single submitter. Criteria: Invitae Variant Classification Sherloc (09022015). Collection method: clinical testing. Allele origin: germline.

Laboratory of Genetics, Children's Clinical University Hospital Latvia
Classification: Benign. Last evaluated: 2025-02-16. Review status: criteria provided, single submitter. Criteria: ACMG Guidelines, 2015. Collection method: clinical testing. Allele origin: germline. Affected: yes.

ARUP Laboratories, Molecular Genetics and Genomics, ARUP Laboratories
Classification: Likely benign for Congenital cataract-progressive muscular hypotonia-hearing loss-developmental delay syndrome. Last evaluated: 2023-09-18. Review status: criteria provided, single submitter. Criteria: ARUP Molecular Germline Variant Investigation Process 2024. Collection method: clinical testing. Allele origin: germline.

Ambry Genetics
Classification: Likely benign for Inborn genetic diseases. Last evaluated: 2021-12-30. Review status: criteria provided, single submitter. Criteria: Ambry Variant Classification Scheme 2023. Collection method: clinical testing. Allele origin: germline.

PreventionGenetics, part of Exact Sciences
Classification: Likely benign for GFER-related condition. Last evaluated: 2024-05-22. Review status: no assertion criteria provided. Collection method: clinical testing. Allele origin: germline. Not counted in ClinVar's aggregate classification.
Comment: This variant is classified as likely benign based on ACMG/AMP sequence variant interpretation guidelines (Richards et al. 2015 PMID: 25741868, with internal and published modifications).

Mayo Clinic Laboratories, Mayo Clinic
Classification: Uncertain significance. Last evaluated: 2017-12-19. Review status: no assertion criteria provided. Collection method: clinical testing. Allele origin: unknown. Not counted in ClinVar's aggregate classification.